The following is an entry in ClinVar:

NM_000051.4(ATM):c.7229T>C (p.Phe2410Ser)

Genes: ATM (ATM serine/threonine kinase; plus strand), C11orf65 (chromosome 11 open reading frame 65; minus strand). Cytogenetic location: 11q22.3.
Variant type: single nucleotide variant.
Coding change: c.7229T>C on transcript NM_000051.4 (MANE Select); coding-DNA position 7229, T replaced by C.
Protein change: p.Phe2410Ser; replaces phenylalanine 2410 with serine.
Molecular consequence: missense variant. On other transcripts: intron variant (2).
Genome position (GRCh38, 1-based): chr11:108,329,160, T>C. VCF-style: chr11-108329160-T-C. GRCh37 (hg19) VCF-style: chr11-108199887-T-C.
Other names: c.7229T>C, p.Phe2410Ser (NM_001351834.2); c.641-20089A>G (NM_001330368.2); c.*38+6060A>G (NM_001351110.2); short protein forms F2410S.
Identifiers: ClinVar variation 453667 (VCV000453667.17), dbSNP rs758351633, ClinGen allele CA6266083.

ClinVar aggregate classification (germline): Uncertain significance. Review status: criteria provided, multiple submitters, no conflicts (2 of 4 stars). 5 submissions from 5 submitters: Uncertain significance (5). Last evaluated 2025-04-24.

Conditions:
Hereditary cancer-predisposing syndrome. Also called: Neoplastic Syndromes, Hereditary; Hereditary Cancer Syndrome; Tumor predisposition; Hereditary neoplastic syndrome. Identifiers: Orphanet 140162, MedGen C0027672, MeSH D009386, MONDO:0015356.
Familial cancer of breast. Also called: Hereditary breast cancer; BREAST CANCER, FAMILIAL; hereditary breast carcinoma. Identifiers: Orphanet 227535, MedGen C0346153, MONDO:0016419, OMIM 114480. Disease mechanism: loss of function.
Ataxia-telangiectasia syndrome (AT). Also called: LOUIS-BAR SYNDROME; Cerebello-oculocutaneous telangiectasia; Immunodeficiency with ataxia telangiectasia; Ataxia-telangiectasia, complementation group D; AT, COMPLEMENTATION GROUP C; Ataxia-telangiectasia, complementation group E. Identifiers: Orphanet 100, MedGen C0004135, MONDO:0008840, OMIM 208900.

Allele frequency attached by ClinVar (database versions not stated): ExAC 0.00001.
gnomAD v4.1: 3 of 1,614,044 alleles (0.00019%); highest among the groups gnomAD compares: Middle Eastern, 0.016%; no homozygotes.

Submissions (5):

Ambry Genetics
Classification: Uncertain significance for Hereditary cancer-predisposing syndrome. Last evaluated: 2025-04-24. Review status: criteria provided, single submitter. Criteria: Ambry Variant Classification Scheme 2023. Collection method: clinical testing. Allele origin: germline.
Comment: The p.F2410S variant (also known as c.7229T>C), located in coding exon 48 of the ATM gene, results from a T to C substitution at nucleotide position 7229. The phenylalanine at codon 2410 is replaced by serine, an amino acid with highly dissimilar properties. This amino acid position is conserved. In addition, this alteration is predicted to be deleterious by in silico analysis. Since supporting evidence is limited at this time, the clinical significance of this alteration remains unclear.

GeneDx
Classification: Uncertain significance. Last evaluated: 2024-03-03. Review status: criteria provided, single submitter. Criteria: GeneDx Variant Classification Process June 2021. Collection method: clinical testing. Allele origin: germline. Affected: yes.
Comment: Not observed at significant frequency in large population cohorts (gnomAD); In silico analysis supports that this missense variant has a deleterious effect on protein structure/function; Has not been previously published as pathogenic or benign to our knowledge; This variant is associated with the following publications: (PMID: 23532176)

Baylor Genetics
Classification: Uncertain significance for Familial cancer of breast. Last evaluated: 2023-07-12. Review status: criteria provided, single submitter. Criteria: ACMG Guidelines, 2015. Collection method: clinical testing. Allele origin: unknown.

Labcorp Genetics (formerly Invitae), Labcorp
Classification: Uncertain significance for Ataxia-telangiectasia syndrome. Last evaluated: 2022-02-08. Review status: criteria provided, single submitter. Criteria: Invitae Variant Classification Sherloc (09022015). Collection method: clinical testing. Allele origin: germline.
Comment: This sequence change replaces phenylalanine, which is neutral and non-polar, with serine, which is neutral and polar, at codon 2410 of the ATM protein (p.Phe2410Ser). In summary, the available evidence is currently insufficient to determine the role of this variant in disease. Therefore, it has been classified as a Variant of Uncertain Significance. Algorithms developed to predict the effect of missense changes on protein structure and function (SIFT, PolyPhen-2, Align-GVGD) all suggest that this variant is likely to be disruptive. ClinVar contains an entry for this variant (Variation ID: 453667). This variant has not been reported in the literature in individuals affected with ATM-related conditions. This variant is present in population databases (rs758351633, gnomAD 0.0009%).

Color Diagnostics, LLC DBA Color Health
Classification: Uncertain significance for Hereditary cancer-predisposing syndrome. Last evaluated: 2019-01-03. Review status: criteria provided, single submitter. Criteria: ACMG Guidelines, 2015. Collection method: clinical testing. Allele origin: germline.